The following is an entry in ClinVar:

ClinVar aggregate classification (germline): Uncertain significance (1 of 4 stars; one submission).

Conditions:
Familial thoracic aortic aneurysm and aortic dissection (TAAD). Also called: Thoracic aortic aneurysms and dissections. Identifiers: Orphanet 91387, MedGen C4707243, MONDO:0019625.

Allele frequency attached by ClinVar (database versions not stated): gnomAD exomes below 0.00001.
gnomAD v4.1: 2 of 1,614,182 alleles (0.00012%); highest among the groups gnomAD compares: Non-Finnish European, 0.00017%; no homozygotes.

Submission:

Labcorp Genetics (formerly Invitae), Labcorp
Classification: Uncertain significance for Familial thoracic aortic aneurysm and aortic dissection. Last evaluated: 2023-08-28. Review status: criteria provided, single submitter. Criteria: Invitae Variant Classification Sherloc (09022015). Collection method: clinical testing. Allele origin: germline.
Comment: This sequence change replaces valine, which is neutral and non-polar, with isoleucine, which is neutral and non-polar, at codon 363 of the SMAD3 protein (p.Val363Ile). In summary, the available evidence is currently insufficient to determine the role of this variant in disease. Therefore, it has been classified as a Variant of Uncertain Significance. Advanced modeling of protein sequence and biophysical properties (such as structural, functional, and spatial information, amino acid conservation, physicochemical variation, residue mobility, and thermodynamic stability) performed at Invitae indicates that this missense variant is expected to disrupt SMAD3 protein function. This variant has not been reported in the literature in individuals affected with SMAD3-related conditions. This variant is not present in population databases (gnomAD no frequency).

NM_005902.4(SMAD3):c.1087G>A (p.Val363Ile)

Gene: SMAD3 (SMAD family member 3; plus strand). Cytogenetic location: 15q22.33.
Variant type: single nucleotide variant.
Coding change: c.1087G>A on transcript NM_005902.4 (MANE Select); coding-DNA position 1087, G replaced by A.
Protein change: p.Val363Ile; replaces valine 363 with isoleucine.
Molecular consequence: missense variant.
Genome position (GRCh38, 1-based): chr15:67,187,442, G>A. VCF-style: chr15-67187442-G-A. GRCh37 (hg19) VCF-style: chr15-67479780-G-A.
Other names: c.949G>A, p.Val317Ile (NM_001407013.1); c.940G>A, p.Val314Ile (NM_001407014.1); c.772G>A, p.Val258Ile (NM_001407016.1, NM_001145102.2); c.640G>A, p.Val214Ile (NM_001407015.1); c.502G>A, p.Val168Ile (NM_001407017.1, NM_001145104.2); c.955G>A, p.Val319Ile (NM_001145103.2, NM_001407012.1); c.1198G>A, p.Val400Ile (NM_001407011.1); short protein forms V214I, V319I, V168I, V258I, V317I, V363I, V314I, V400I.
Identifiers: ClinVar variation 2745617 (VCV002745617.3), dbSNP rs2140323612, ClinGen allele CA392958219.